The following is an entry in ClinVar:

ClinVar aggregate classification (germline): Uncertain significance (1 of 4 stars; one submission).

Submission:

Labcorp Genetics (formerly Invitae), Labcorp
Classification: Uncertain significance. Last evaluated: 2024-02-08. Review status: criteria provided, single submitter. Criteria: Invitae Variant Classification Sherloc (09022015). Collection method: clinical testing. Allele origin: germline.
Comment: This sequence change replaces methionine, which is neutral and non-polar, with valine, which is neutral and non-polar, at codon 987 of the ANKRD26 protein (p.Met987Val). This variant is not present in population databases (gnomAD no frequency). This variant has not been reported in the literature in individuals affected with ANKRD26-related conditions. Algorithms developed to predict the effect of missense changes on protein structure and function output the following: SIFT: "Not Available"; PolyPhen-2: "Benign"; Align-GVGD: "Not Available". The valine amino acid residue is found in multiple mammalian species, which suggests that this missense change does not adversely affect protein function. In summary, the available evidence is currently insufficient to determine the role of this variant in disease. Therefore, it has been classified as a Variant of Uncertain Significance.

NM_014915.3(ANKRD26):c.2959A>G (p.Met987Val)

Gene: ANKRD26 (ankyrin repeat domain 26; minus strand). Cytogenetic location: 10p12.1.
Variant type: single nucleotide variant.
Coding change: c.2959A>G on transcript NM_014915.3 (MANE Select); coding-DNA position 2959, A replaced by G.
Protein change: p.Met987Val; replaces methionine 987 with valine.
Molecular consequence: missense variant.
Genome position (GRCh38, 1-based): chr10:27,035,491, T>C on the plus strand (A>G on the coding strand, the complement: ANKRD26 is on the minus strand). VCF-style: chr10-27035491-T-C. GRCh37 (hg19) VCF-style: chr10-27324420-T-C.
Other names: c.2956A>G, p.Met986Val (NM_001256053.2); short protein forms M986V, M987V.
Identifiers: ClinVar variation 3625085 (VCV003625085.2).
Genomic context (GRCh38, chr10:27,035,491, plus strand): 5'-CAACTTCTGCTTCCAGTCTTTCCTTGCTTTGCTTTTCATTCTCCAGTTTAGAATTTAGCA[T>C]TGCATTCTCAGCTGTCAGAACACTAAGCCGTCCATTATACTGGGATATTGTTTGTGTTAA-3'
Protein context (NP_055730.2, residues 977-997): RLSVLTAENA[Met987Val]LNSKLENEKQ